The following is an entry in ClinVar:

ClinVar aggregate classification (germline): Benign. Review status: criteria provided, multiple submitters, no conflicts (2 of 4 stars). 2 submissions from 2 submitters: Benign (2). Last evaluated 2018-01-13.

Conditions:
Nephronophthisis-like nephropathy 1 (NPHPL1). Identifiers: Orphanet 655, MedGen C3150419, MONDO:0013163, OMIM 613159.

Allele frequency attached by ClinVar (database versions not stated): 1000 Genomes Project 0.04513; gnomAD 0.04608 and 0.04950; 1000 Genomes Project 30x 0.04763; TOPMed 0.05143.

Submissions (2):

Illumina Laboratory Services, Illumina
Classification: Benign for Nephronophthisis-like nephropathy 1. Last evaluated: 2018-01-13. Review status: criteria provided, single submitter. Criteria: ICSL Variant Classification Criteria 13 December 2019. Collection method: clinical testing. Allele origin: germline.
Comment: This variant was observed in the ICSL laboratory as part of a predisposition screen in an ostensibly healthy population. It had not been previously curated by ICSL or reported in the Human Gene Mutation Database (HGMD: prior to June 1st, 2018), and was therefore a candidate for classification through an automated scoring system. Utilizing variant allele frequency, disease prevalence and penetrance estimates, and inheritance mode, an automated score was calculated to assess if this variant is too frequent to cause the disease. Based on the score and internal cut-off values, a variant classified as benign is not then subjected to further curation. The score for this variant resulted in a classification of benign for this disease.

Breakthrough Genomics
Classification: Benign. Review status: criteria provided, single submitter. Criteria: ACMG Guidelines, 2015. Collection method: not provided. Allele origin: germline. Inheritance: Autosomal recessive inheritance. Affected: yes.

NM_022098.4(XPNPEP3):c.*4586G>A

Gene: XPNPEP3 (X-prolyl aminopeptidase 3; plus strand). Cytogenetic location: 22q13.2.
Variant type: single nucleotide variant.
Coding change: c.*4586G>A on transcript NM_022098.4 (MANE Select); 4586 bases downstream of the stop codon, G replaced by A.
Molecular consequence: 3 prime UTR variant.
Genome position (GRCh38, 1-based): chr22:40,931,021, G>A. VCF-style: chr22-40931021-G-A. GRCh37 (hg19) VCF-style: chr22-41327025-G-A.
Identifiers: ClinVar variation 341746 (VCV000341746.6), dbSNP rs9619920, ClinGen allele CA10654153.